The following is an entry in ClinVar:

NM_001190274.2(FBXO11):c.2454_2458del (p.Lys818fs)

Genes: FBXO11 (F-box protein 11; minus strand), MSH6 (mutS homolog 6; plus strand). Cytogenetic location: 2p16.3.
Variant type: Deletion.
Coding change: c.2454_2458del on transcript NM_001190274.2 (MANE Select); coding-DNA positions 2454 to 2458, 5 bases deleted (AATAA; older notation c.2454_2458delAATAA).
Protein change: p.Lys818fs; shifts the reading frame from lysine 818.
Molecular consequence: frameshift variant. On other transcripts: intron variant (6).
Genome position (GRCh38, 1-based): chr2:47,809,255-47,809,259, TTATT deleted on the plus strand (AATAA on the coding strand, the reverse complement: FBXO11 is on the minus strand); deleting any 5 consecutive bases within chr2:47,809,255-47,809,261 gives the same sequence; the c. name uses the placement nearest the transcript's 3' end. VCF-style (leftmost placement, unchanged base first): chr2-47809254-ATTATT-A. GRCh37 (hg19) VCF-style: chr2-48036393-ATTATT-A.
Other names: c.2202_2206del, p.Lys734fs (NM_001374325.1, NM_025133.4); c.*44-742_*44-738del (NM_001406809.1); c.*41-742_*41-738del (NM_001406796.1, NM_001406811.1, NM_001406805.1 and 2 more transcripts); short protein forms K734fs, K818fs.
Identifiers: ClinVar variation 4845380 (VCV004845380.1).

ClinVar aggregate classification (germline): Pathogenic (1 of 4 stars; one submission).

Conditions:
Intellectual developmental disorder with dysmorphic facies and behavioral abnormalities. Identifiers: MedGen C4748135, MONDO:0060760, OMIM 618089.

Submission:

Institute of Human Genetics, University of Leipzig Medical Center
Classification: Pathogenic for Intellectual developmental disorder with dysmorphic facies and behavioral abnormalities. Last evaluated: 2026-03-12. Review status: criteria provided, single submitter. Criteria: ACMG Guidelines, 2015. Collection method: clinical testing. Allele origin: de novo. Inheritance: Autosomal dominant inheritance. Affected: yes.
Comment: Criteria applied: PM2,PVS1,PS2_MOD